The following is an entry in ClinVar:

ClinVar aggregate classification (germline): Uncertain significance (1 of 4 stars; one submission).

Conditions:
X-linked immunodeficiency with magnesium defect, Epstein-Barr virus infection and neoplasia. Identifiers: Orphanet 317476, MedGen C3275445, MONDO:0010455, OMIM 300853.

Submission:

Labcorp Genetics (formerly Invitae), Labcorp
Classification: Uncertain significance for X-linked immunodeficiency with magnesium defect, Epstein-Barr virus infection and neoplasia. Last evaluated: 2019-10-11. Review status: criteria provided, single submitter. Criteria: Invitae Variant Classification Sherloc (09022015). Collection method: clinical testing. Allele origin: germline.
Comment: This variant results in a copy number gain of the genomic region encompassing exon 1 of the MAGT1 gene, which includes the initiator codon. The 5' end of this event is unknown as it extends beyond the assayed region for this gene and therefore may encompass additional genes. The 3' boundary is likely confined to intron 1 of the MAGT1 gene. As the precise location of this event is unknown, it may be in tandem or it may be located elsewhere in the genome. This variant has not been reported in the literature in individuals with MAGT1-related conditions. Experimental studies and prediction algorithms are not available or were not evaluated, and the functional significance of this variant is currently unknown. In summary, the available evidence is currently insufficient to determine the role of this variant in disease. Therefore, it has been classified as a Variant of Uncertain Significance.

NC_000023.10:g.(?_77150786)_(77151023_?)dup

Gene: MAGT1 (magnesium transporter 1; minus strand). Cytogenetic location: Xq21.1.
Variant type: Duplication.
Identifiers: ClinVar variation 1025365 (VCV001025365.1).